The following is an entry in ClinVar:

NM_004273.5(CHST3):c.527C>T (p.Pro176Leu)

Gene: CHST3 (carbohydrate sulfotransferase 3; plus strand). Cytogenetic location: 10q22.1.
Variant type: single nucleotide variant.
Coding change: c.527C>T on transcript NM_004273.5 (MANE Select); coding-DNA position 527, C replaced by T.
Protein change: p.Pro176Leu; replaces proline 176 with leucine.
Molecular consequence: missense variant.
Genome position (GRCh38, 1-based): chr10:72,007,558, C>T. VCF-style: chr10-72007558-C-T. GRCh37 (hg19) VCF-style: chr10-73767316-C-T.
Other names: short protein forms P176L.
Identifiers: ClinVar variation 1914167 (VCV001914167.5), dbSNP rs201963050, ClinGen allele CA209479125.

ClinVar aggregate classification (germline): Uncertain significance (1 of 4 stars; one submission).

Conditions:
Spondyloepiphyseal dysplasia with congenital joint dislocations (SEDCJD). Also called: Chondrodysplasia with Congenital Joint Dislocations, CHST3-Related. Identifiers: Orphanet 263463, MedGen C1837657, MONDO:0007738, OMIM 143095.

gnomAD v4.1: 3 of 1,606,924 alleles (0.00019%); highest among the groups gnomAD compares: East Asian, 0.0022%; no homozygotes.

Submission:

Labcorp Genetics (formerly Invitae), Labcorp
Classification: Uncertain significance for Spondyloepiphyseal dysplasia with congenital joint dislocations. Last evaluated: 2022-04-29. Review status: criteria provided, single submitter. Criteria: Invitae Variant Classification Sherloc (09022015). Collection method: clinical testing. Allele origin: germline.
Comment: Algorithms developed to predict the effect of missense changes on protein structure and function are either unavailable or do not agree on the potential impact of this missense change (SIFT: "Deleterious"; PolyPhen-2: "Benign"; Align-GVGD: "Class C0"). This variant has not been reported in the literature in individuals affected with CHST3-related conditions. This variant is not present in population databases (gnomAD no frequency). This sequence change replaces proline, which is neutral and non-polar, with leucine, which is neutral and non-polar, at codon 176 of the CHST3 protein (p.Pro176Leu). In summary, the available evidence is currently insufficient to determine the role of this variant in disease. Therefore, it has been classified as a Variant of Uncertain Significance.